The following is an entry in ClinVar:

NM_000059.4(BRCA2):c.454A>T (p.Thr152Ser)

Gene: BRCA2 (BRCA2 DNA repair associated; plus strand). Cytogenetic location: 13q13.1.
Variant type: single nucleotide variant.
Coding change: c.454A>T on transcript NM_000059.4 (MANE Select); coding-DNA position 454, A replaced by T.
Protein change: p.Thr152Ser; replaces threonine 152 with serine.
Molecular consequence: missense variant.
Genome position (GRCh38, 1-based): chr13:32,326,129, A>T. VCF-style: chr13-32326129-A-T. GRCh37 (hg19) VCF-style: chr13-32900266-A-T.
Other names: short protein forms T152S.
Identifiers: ClinVar variation 489760 (VCV000489760.8), dbSNP rs886037806, ClinGen allele CA387757124.

ClinVar aggregate classification (germline): Uncertain significance. Review status: criteria provided, multiple submitters, no conflicts (2 of 4 stars). 3 submissions from 3 submitters: Uncertain significance (3). Last evaluated 2026-01-14.

Conditions:
Hereditary breast ovarian cancer syndrome. Also called: Breast and ovarian cancer; Hereditary breast and/or ovarian cancer syndrome; Hereditary breast and ovarian cancer; Hereditary breast and ovarian cancer syndrome (HBOC); BRCA1- and BRCA2-Associated Hereditary Breast and Ovarian Cancer; Hereditary breast and ovarian cancer syndrome. Identifiers: Orphanet 145, MedGen C0677776, MeSH D061325, MONDO:0003582. Disease mechanism: loss of function.
Hereditary cancer-predisposing syndrome. Also called: Hereditary Cancer Syndrome; Neoplastic Syndromes, Hereditary; Tumor predisposition; Hereditary neoplastic syndrome. Identifiers: Orphanet 140162, MedGen C0027672, MeSH D009386, MONDO:0015356.

gnomAD v4.1: 1 of 1,609,938 alleles (0.000062%); highest among the groups gnomAD compares: Non-Finnish European, 0.000085%; no homozygotes.

Submissions (3):

Labcorp Genetics (formerly Invitae), Labcorp
Classification: Uncertain significance for Hereditary breast ovarian cancer syndrome. Last evaluated: 2026-01-14. Review status: criteria provided, single submitter. Criteria: Invitae Variant Classification Sherloc (09022015). Collection method: clinical testing. Allele origin: germline.
Comment: This sequence change replaces threonine, which is neutral and polar, with serine, which is neutral and polar, at codon 152 of the BRCA2 protein (p.Thr152Ser). This variant is not present in population databases (gnomAD no frequency). This variant has not been reported in the literature in individuals affected with BRCA2-related conditions. ClinVar contains an entry for this variant (Variation ID: 489760). Invitae Evidence Modeling of protein sequence and biophysical properties (such as structural, functional, and spatial information, amino acid conservation, physicochemical variation, residue mobility, and thermodynamic stability) indicates that this missense variant is not expected to disrupt BRCA2 protein function with a negative predictive value of 95%. In summary, the available evidence is currently insufficient to determine the role of this variant in disease. Therefore, it has been classified as a Variant of Uncertain Significance.

Ambry Genetics
Classification: Uncertain significance for Hereditary cancer-predisposing syndrome. Last evaluated: 2024-02-28. Review status: criteria provided, single submitter. Criteria: Ambry Variant Classification Scheme 2023. Collection method: clinical testing. Allele origin: germline.
Comment: The p.T152S variant (also known as c.454A>T), located in coding exon 4 of the BRCA2 gene, results from an A to T substitution at nucleotide position 454. The threonine at codon 152 is replaced by serine, an amino acid with similar properties. This amino acid position is highly conserved in available vertebrate species. In addition, this alteration is predicted to be tolerated by in silico analysis. Since supporting evidence is limited at this time, the clinical significance of this alteration remains unclear.

Color Diagnostics, LLC DBA Color Health
Classification: Uncertain significance for Hereditary cancer-predisposing syndrome. Last evaluated: 2019-04-15. Review status: criteria provided, single submitter. Criteria: ACMG Guidelines, 2015. Collection method: clinical testing. Allele origin: germline.